The following is an entry in ClinVar:

ClinVar aggregate classification (germline): Uncertain significance (1 of 4 stars; one submission).

Conditions:
Neuronopathy, distal hereditary motor, autosomal recessive 4. Also called: Autosomal recessive lower motor neuron disease with childhood onset; NEUROPATHY, DISTAL HEREDITARY MOTOR, AUTOSOMAL RECESSIVE 4. Identifiers: Orphanet 206580, MedGen C1970211, MONDO:0012608, OMIM 611067.
Charcot-Marie-Tooth disease recessive intermediate C. Also called: CHARCOT-MARIE-TOOTH NEUROPATHY, RECESSIVE INTERMEDIATE C. Identifiers: Orphanet 369867, MedGen C3809309, MONDO:0014154, OMIM 615376.

Allele frequency attached by ClinVar (database versions not stated): gnomAD exomes 0.00001 and 0.00005; ExAC 0.00005.
gnomAD v4.1: 19 of 1,612,988 alleles (0.0012%); highest among the groups gnomAD compares: South Asian, 0.0099%; no homozygotes.

Submission:

Labcorp Genetics (formerly Invitae), Labcorp
Classification: Uncertain significance for Neuronopathy, distal hereditary motor, autosomal recessive 4; Charcot-Marie-Tooth disease recessive intermediate C. Last evaluated: 2021-08-30. Review status: criteria provided, single submitter. Criteria: Invitae Variant Classification Sherloc (09022015). Collection method: clinical testing. Allele origin: germline.
Comment: This sequence change replaces aspartic acid with asparagine at codon 776 of the PLEKHG5 protein (p.Asp776Asn). The aspartic acid residue is weakly conserved and there is a small physicochemical difference between aspartic acid and asparagine. This variant is present in population databases (rs542531545, ExAC 0.02%). This variant has not been reported in the literature in individuals affected with PLEKHG5-related conditions. Algorithms developed to predict the effect of missense changes on protein structure and function (SIFT, PolyPhen-2, Align-GVGD) all suggest that this variant is likely to be tolerated. In summary, the available evidence is currently insufficient to determine the role of this variant in disease. Therefore, it has been classified as a Variant of Uncertain Significance.

NM_020631.6(PLEKHG5):c.2326G>A (p.Asp776Asn)

Gene: PLEKHG5 (pleckstrin homology and RhoGEF domain containing G5; minus strand). Cytogenetic location: 1p36.31.
Variant type: single nucleotide variant.
Coding change: c.2326G>A on transcript NM_020631.6 (MANE Select); coding-DNA position 2326, G replaced by A.
Protein change: p.Asp776Asn; replaces aspartic acid 776 with asparagine.
Molecular consequence: missense variant.
Genome position (GRCh38, 1-based): chr1:6,468,510, C>T on the plus strand (G>A on the coding strand, the complement: PLEKHG5 is on the minus strand). VCF-style: chr1-6468510-C-T. GRCh37 (hg19) VCF-style: chr1-6528570-C-T.
Other names: c.2437G>A, p.Asp813Asn (NM_001042663.3, NM_001265592.2); c.2326G>A, p.Asp776Asn (NM_001042664.2, NM_001042665.2, NM_001265594.3 and 1 more transcripts); c.2533G>A, p.Asp845Asn (NM_001265593.2); short protein forms D813N, D776N, D845N.
Identifiers: ClinVar variation 1470469 (VCV001470469.5), dbSNP rs542531545, ClinGen allele CA561184.